The following is an entry in ClinVar:

ClinVar aggregate classification (germline): Conflicting classifications of pathogenicity. Review status: criteria provided, conflicting classifications (1 of 4 stars). 10 submissions from 10 submitters: Uncertain significance (7); Likely benign (2). 1 of the submissions does not count toward it. Last evaluated 2025-12-18.

Conditions:
Hereditary cancer-predisposing syndrome. Also called: Neoplastic Syndromes, Hereditary; Hereditary Cancer Syndrome; Tumor predisposition; Hereditary neoplastic syndrome. Identifiers: Orphanet 140162, MedGen C0027672, MeSH D009386, MONDO:0015356.
Familial adenomatous polyposis 2. Also called: MUTYH-associated polyposis; MUTYH Polyposis; FAP type 2; Adenomas, multiple colorectal; COLORECTAL ADENOMATOUS POLYPOSIS, AUTOSOMAL RECESSIVE; ADENOMAS, MULTIPLE COLORECTAL, AUTOSOMAL RECESSIVE. Identifiers: Orphanet 220460, Orphanet 247798, MedGen C3272841, MONDO:0012041, OMIM 608456.

Allele frequency attached by ClinVar (database versions not stated): TOPMed 0.00001; gnomAD 0.00002.
gnomAD v4.1: 22 of 1,614,080 alleles (0.0014%); highest among the groups gnomAD compares: African/African-American, 0.0027%; no homozygotes.

Submissions (10):

Labcorp Genetics (formerly Invitae), Labcorp
Classification: Uncertain significance for Familial adenomatous polyposis 2. Last evaluated: 2025-12-18. Review status: criteria provided, single submitter. Criteria: Invitae Variant Classification Sherloc (09022015). Collection method: clinical testing. Allele origin: germline.
Comment: This sequence change replaces arginine, which is basic and polar, with glutamine, which is neutral and polar, at codon 437 of the MUTYH protein (p.Arg437Gln). This variant is present in population databases (rs587782120, gnomAD 0.004%). This missense change has been observed in individual(s) with breast cancer and/or colorectal cancer (CRC) (PMID: 15943555, 35264596). This variant is also known as c.1268G>A. ClinVar contains an entry for this variant (Variation ID: 141933). An algorithm developed to predict the effect of missense changes on protein structure and function outputs the following: PolyPhen-2: "Benign". The glutamine amino acid residue is found in multiple mammalian species, which suggests that this missense change does not adversely affect protein function. Experimental studies have shown that this missense change does not substantially affect MUTYH function (PMID: 25820570). In summary, the available evidence is currently insufficient to determine the role of this variant in disease. Therefore, it has been classified as a Variant of Uncertain Significance.

Quest Diagnostics Nichols Institute San Juan Capistrano
Classification: Uncertain significance. Last evaluated: 2025-05-14. Review status: criteria provided, single submitter. Criteria: Quest Diagnostics criteria. Collection method: clinical testing. Allele origin: unknown.
Comment: The MUTYH c.1268G>A (p.Arg423Gln) variant has been reported in the published literature in individuals with colorectal cancer (PMID: 25820570 (2015), 15943555 (2005)), breast cancer (PMID: 35264596 (2022), 33471991 (2021), see also LOVD) and in reportedly unaffected individuals (PMID: 25820570 (2015), 33471991 (2021), see also LOVD). Assessment of experimental evidence regarding the effect of this variant on protein function suggests it has no effect relevant to disease (PMID: 25820570 (2015)). The frequency of this variant in the general population (Genome Aggregation Database) is uninformative in the assessment of its pathogenicity. Analysis of this variant using bioinformatics tools for the prediction of the effect of amino acid changes on protein structure and function yielded predictions that this variant is benign. Based on the available information, we are unable to determine the clinical significance of this variant.

Women's Health and Genetics/Laboratory Corporation of America, LabCorp
Classification: Uncertain significance. Last evaluated: 2022-09-26. Review status: criteria provided, single submitter. Criteria: LabCorp Variant Classification Summary - May 2015. Collection method: clinical testing. Allele origin: germline.
Comment: Variant summary: MUTYH c.1310G>A (p.Arg437Gln) results in a conservative amino acid change located in the NUDIX hydrolase domain (IPR000086) of the encoded protein sequence. Five of five in-silico tools predict a benign effect of the variant on protein function. The variant allele was found at a frequency of 7.9e-06 in 254566 control chromosomes (gnomAD). The available data on variant occurrences in the general population are insufficient to allow any conclusion about variant significance. c.1310G>A has been reported in the literature in individuals affected with sporadic colorectal cancer (example, Zhou_2005). This report does not provide unequivocal conclusions about association of the variant with MUTYH-Associated Polyposis. At least one publication reports experimental evidence evaluating an impact on protein function (example, Komine_2015). These results showed no damaging effect of this variant in an assay evaluating functional complementation in a MutY-disrupted E Coli strain. Eight clinical diagnostic laboratories have submitted clinical-significance assessments for this variant to ClinVar after 2014 and classified the variant as VUS (n=6) and likely benign (n=2). Based on the evidence outlined above, the variant was classified as uncertain significance.

Sema4
Classification: Uncertain significance for Hereditary cancer-predisposing syndrome. Last evaluated: 2022-01-24. Review status: criteria provided, single submitter. Criteria: Sema4 Curation Guidelines. Collection method: curation. Allele origin: germline.
Comment: The MUTYH c.1310G>A (p.R437Q) variant has been reported in individuals with colorectal or kidney cancer (PMID: 15943555, 29684080). This variant has also been reported in 2/60466 breast cancer cases and 2/53461 healthy controls by a large case-control study (PMID: 33471991). A complementation assay performed in E. coli demonstrated the normal function of the protein (PMID: 25820570). It is also known as R423Q in the literature. It was observed in 3/282762 chromosomes across all populations, in the large and broad cohorts of the Genome Aggregation Database (PMID: 32461654). The variant has been reported in ClinVar (Variation ID 141933). The evidence is insufficient to meet ACMG/AMP criteria for classifying the variant as benign or pathogenic. Thus, the clinical significance of this variant is currently uncertain.

Mendelics
Classification: Uncertain significance for MYH-associated polyposis. Last evaluated: 2018-07-02. Review status: criteria provided, single submitter. Criteria: Mendelics Assertion Criteria 2017. Collection method: clinical testing. Allele origin: unknown.

GeneDx
Classification: Uncertain significance. Last evaluated: 2018-05-10. Review status: criteria provided, single submitter. Criteria: GeneDx Variant Classification (06012015). Collection method: clinical testing. Allele origin: germline. Affected: yes.
Comment: This variant is denoted MUTYH c.1310G>A at the cDNA level, p.Arg437Gln (R437Q) at the protein level, and results in the change of an Arginine to a Glutamine (CGG>CAG). This variant, also published as MUTYH Arg423Gln (R423Q) using alternate nomenclature, has been observed in at least three individuals with sporadic colorectal cancer (Zhou 2005). An E. coli-based complementation assay found that MUTYH Arg437Gln exhibited a spontaneous mutation rate similar to wild-type controls, suggesting that this variant retains protein function (Komine 2015). This variant was not observed at a significant allele frequency in large population cohorts (Lek 2016). MUTYH Arg437Gln is located in the NUDIX domain (Ruggieri 2013). In silico analysis, which includes protein predictors and evolutionary conservation, supports that this variant does not alter protein structure/function. Based on currently available evidence, it is unclear whether MUTYH Arg437Gln is a pathogenic or benign variant. We consider it to be a variant of uncertain significance. Of note, MUTYH-Associated Polyposis (MAP) is a recessive condition associated with two pathogenic variants on opposite chromosomes in MUTYH.?

Ambry Genetics
Classification: Likely benign for Hereditary cancer-predisposing syndrome. Last evaluated: 2018-04-04. Review status: criteria provided, single submitter. Criteria: Ambry Variant Classification Scheme 2023. Collection method: clinical testing. Allele origin: germline.

Color Diagnostics, LLC DBA Color Health
Classification: Likely benign for Hereditary cancer-predisposing syndrome. Last evaluated: 2017-05-03. Review status: criteria provided, single submitter. Criteria: ACMG Guidelines, 2015. Collection method: clinical testing. Allele origin: germline.

Illumina Laboratory Services, Illumina
Classification: Uncertain significance for Familial adenomatous polyposis 2. Last evaluated: 2017-04-27. Review status: criteria provided, single submitter. Criteria: ICSL Variant Classification Criteria 13 December 2019. Collection method: clinical testing. Allele origin: germline.

Counsyl
Classification: Uncertain significance for Familial adenomatous polyposis 2. Last evaluated: 2016-08-31. Review status: no assertion criteria provided. Collection method: clinical testing. Allele origin: unknown. Not counted in ClinVar's aggregate classification.

Literature cited by the submitters: PubMed 15943555 (cited by 5 submitters); PubMed 35264596 (cited by Labcorp Genetics (formerly Invitae), Labcorp and Quest Diagnostics Nichols Institute San Juan Capistrano); PubMed 25820570 (cited by 6 submitters); PubMed 33471991 (cited by Quest Diagnostics Nichols Institute San Juan Capistrano and Sema4); PubMed 29684080 (cited by Quest Diagnostics Nichols Institute San Juan Capistrano and Sema4); PubMed 17931073 (cited by Women's Health and Genetics/Laboratory Corporation of America, LabCorp and Ambry Genetics); PubMed 17161978 (cited by Women's Health and Genetics/Laboratory Corporation of America, LabCorp); PubMed 19725997 (cited by Women's Health and Genetics/Laboratory Corporation of America, LabCorp).

NM_001048174.2(MUTYH):c.1226G>A (p.Arg409Gln)

Gene: MUTYH (mutY DNA glycosylase; minus strand). Cytogenetic location: 1p34.1.
Variant type: single nucleotide variant.
Coding change: c.1226G>A on transcript NM_001048174.2 (MANE Select); coding-DNA position 1226, G replaced by A.
Protein change: p.Arg409Gln; replaces arginine 409 with glutamine.
Molecular consequence: missense variant. On other transcripts: non-coding transcript variant (2).
Genome position (GRCh38, 1-based): chr1:45,331,433, C>T on the plus strand (G>A on the coding strand, the complement: MUTYH is on the minus strand). VCF-style: chr1-45331433-C-T. GRCh37 (hg19) VCF-style: chr1-45797105-C-T.
Other names: c.1226G>A, p.Arg409Gln (NM_001048171.2, NM_001048173.2, NM_001293195.2); c.1229G>A, p.Arg410Gln (NM_001048172.2); c.1310G>A, p.Arg437Gln (NM_001128425.2); c.1271G>A, p.Arg424Gln (NM_001293190.2); c.1259G>A, p.Arg420Gln (NM_001293191.2); c.950G>A, p.Arg317Gln (NM_001293192.2, NM_001293196.2); c.881G>A, p.Arg294Gln (NM_001350650.2, NM_001350651.2); c.1301G>A, p.Arg434Gln (NM_012222.3); short protein forms R437Q, R423Q, R317Q, R434Q, R409Q, R420Q, R424Q, R294Q.
Identifiers: ClinVar variation 141933 (VCV000141933.27), dbSNP rs587782120, ClinGen allele CA012591.